The following is an entry in ClinVar:

ClinVar aggregate classification (germline): Pathogenic (1 of 4 stars; one submission).

Conditions:
Episodic kinesigenic dyskinesia (EKD). Also called: Paroxysmal kinesigenic dyskinesia. Identifiers: Orphanet 98809, MedGen C1868682, MONDO:0044202.

Submission:

Labcorp Genetics (formerly Invitae), Labcorp
Classification: Pathogenic for Episodic kinesigenic dyskinesia. Last evaluated: 2024-08-19. Review status: criteria provided, single submitter. Criteria: Invitae Variant Classification Sherloc (09022015). Collection method: clinical testing. Allele origin: germline.
Comment: This sequence change creates a premature translational stop signal (p.Gln36Argfs*3) in the PRRT2 gene. It is expected to result in an absent or disrupted protein product. Loss-of-function variants in PRRT2 are known to be pathogenic (PMID: 22623405, 22744660). This variant is not present in population databases (gnomAD no frequency). This variant has not been reported in the literature in individuals affected with PRRT2-related conditions. ClinVar contains an entry for this variant (Variation ID: 662320). For these reasons, this variant has been classified as Pathogenic.

Literature cited by the submitters: PubMed 22623405; PubMed 22744660.

NM_145239.3(PRRT2):c.106del (p.Gln36fs)

Genes: MVP-DT (MVP divergent transcript; minus strand), PRRT2 (proline rich transmembrane protein 2; plus strand). Cytogenetic location: 16p11.2.
Variant type: Deletion.
Coding change: c.106del on transcript NM_145239.3 (MANE Select); coding-DNA position 106, one base deleted (C; older notation c.106delC).
Protein change: p.Gln36fs; shifts the reading frame from glutamine 36.
Molecular consequence: frameshift variant.
Genome position (GRCh38, 1-based): chr16:29,813,160, C deleted; the last of 4 consecutive C bases (chr16:29,813,157-29,813,160); deleting any one gives the same sequence. VCF-style (leftmost placement, unchanged base first): chr16-29813156-TC-T. GRCh37 (hg19) VCF-style: chr16-29824477-TC-T.
Other names: c.106del, p.Gln36fs (NM_001256442.2, NM_001256443.2); short protein forms Q36fs.
Identifiers: ClinVar variation 662320 (VCV000662320.7), dbSNP rs1596889984, ClinGen allele CA915949229.